The following is an entry in ClinVar:

NM_001933.5(DLST):c.696G>A (p.Gln232=)

Gene: DLST (dihydrolipoamide S-succinyltransferase; plus strand). Cytogenetic location: 14q24.3.
Variant type: single nucleotide variant.
Coding change: c.696G>A on transcript NM_001933.5 (MANE Select); coding-DNA position 696, G replaced by A.
Protein change: p.Gln232=; no amino-acid change (glutamine 232 retained).
Molecular consequence: synonymous variant. On other transcripts: non-coding transcript variant (2).
Genome position (GRCh38, 1-based): chr14:74,894,335, G>A. VCF-style: chr14-74894335-G-A. GRCh37 (hg19) VCF-style: chr14-75361038-G-A.
Identifiers: ClinVar variation 4281359 (VCV004281359.7).

ClinVar aggregate classification (germline): Likely benign (1 of 4 stars; one submission).

Submission:

CeGaT Center for Human Genetics Tuebingen
Classification: Likely benign. Last evaluated: 2025-09-01. Review status: criteria provided, single submitter. Criteria: CeGaT Center For Human Genetics Tuebingen Variant Classification Criteria Version 2. Collection method: clinical testing. Allele origin: germline. Affected: yes. Observed: 1 variant allele.
Comment: DLST: BP4, BP7